The following is an entry in ClinVar:

NM_001844.5(COL2A1):c.3896G>A (p.Trp1299Ter)

Gene: COL2A1 (collagen type II alpha 1 chain; minus strand). Cytogenetic location: 12q13.11.
Variant type: single nucleotide variant.
Coding change: c.3896G>A on transcript NM_001844.5 (MANE Select); coding-DNA position 3896, G replaced by A.
Protein change: p.Trp1299Ter; replaces tryptophan 1299 with a stop codon.
Molecular consequence: nonsense.
Genome position (GRCh38, 1-based): chr12:47,974,853, C>T on the plus strand (G>A on the coding strand, the complement: COL2A1 is on the minus strand). VCF-style: chr12-47974853-C-T. GRCh37 (hg19) VCF-style: chr12-48368636-C-T.
Other names: c.3689G>A, p.Trp1230Ter (NM_033150.3); c.3896G>A (NM_001844.4); short protein forms W1230*, W1299*.
Identifiers: ClinVar variation 1213981 (VCV001213981.6), dbSNP rs2136508909, ClinGen allele CA384536187.

ClinVar aggregate classification (germline): Pathogenic/Likely pathogenic. Review status: criteria provided, multiple submitters, no conflicts (2 of 4 stars). 5 submissions from 5 submitters: Pathogenic (4); Likely pathogenic (1). Last evaluated 2025-12-09.

Conditions:
COL2A1-related disorder. Also called: COL2A1-related condition; COL2A1-related disorders.
Stickler syndrome type 1 (STL1). Also called: STICKLER SYNDROME, MEMBRANOUS VITREOUS TYPE; STICKLER SYNDROME, VITREOUS TYPE 1; COL2A1-Related Stickler Syndrome; ARTHROOPHTHALMOPATHY, HEREDITARY PROGRESSIVE. Identifiers: Orphanet 828, Orphanet 90653, MedGen C2020284, MONDO:0007160, OMIM 108300.

Submissions (5):

GeneDx
Classification: Pathogenic. Last evaluated: 2025-12-09. Review status: criteria provided, single submitter. Criteria: GeneDx Variant Classification Process June 2021. Collection method: clinical testing. Allele origin: germline.
Comment: Not observed at significant frequency in large population cohorts (gnomAD); Has not been previously published as pathogenic or benign to our knowledge; Nonsense variant predicted to result in protein truncation or nonsense mediated decay in a gene for which loss of function is a known mechanism of disease

Labcorp Genetics (formerly Invitae), Labcorp
Classification: Pathogenic. Last evaluated: 2025-11-19. Review status: criteria provided, single submitter. Criteria: Invitae Variant Classification Sherloc (09022015). Collection method: clinical testing. Allele origin: germline.
Comment: This sequence change creates a premature translational stop signal (p.Trp1299*) in the COL2A1 gene. It is expected to result in an absent or disrupted protein product. Loss-of-function variants in COL2A1 are known to be pathogenic (PMID: 20179744). This variant is not present in population databases (gnomAD no frequency). This variant has not been reported in the literature in individuals affected with COL2A1-related conditions. ClinVar contains an entry for this variant (Variation ID: 1213981). For these reasons, this variant has been classified as Pathogenic.

Blueprint Genetics
Classification: Likely pathogenic for COL2A1-related disorders. Last evaluated: 2023-12-01. Review status: criteria provided, single submitter. Criteria: ACMG Guidelines, 2015. Collection method: clinical testing. Allele origin: germline. Affected: yes. Observed: 1 variant allele.

PreventionGenetics, part of Exact Sciences
Classification: Pathogenic for COL2A1-related condition. Last evaluated: 2023-10-10. Review status: criteria provided, single submitter. Criteria: ACMG Guidelines, 2015. Collection method: clinical testing. Allele origin: germline.
Comment: The COL2A1 c.3896G>A variant is predicted to result in premature protein termination (p.Trp1299*). To our knowledge, this variant has not been reported in the literature or in a large population database, indicating this variant is rare. Nonsense variants in COL2A1 are expected to be pathogenic. In ClinVar, this variant is interpreted as pathogenic. This variant is interpreted as pathogenic.

DBGen Ocular Genomics
Classification: Pathogenic for Stickler syndrome type 1. Last evaluated: 2021-06-04. Review status: criteria provided, single submitter. Criteria: ACMG Guidelines, 2015. Collection method: clinical testing. Allele origin: germline. Affected: yes. Observed: 1 variant allele.

Literature cited by the submitters: PubMed 20179744 (cited by Labcorp Genetics (formerly Invitae), Labcorp).